The following is an entry in ClinVar:

NM_207037.2(TCF12):c.584_585del (p.Tyr195fs)

Gene: TCF12 (transcription factor 12; plus strand). Cytogenetic location: 15q21.3.
Variant type: Microsatellite.
Coding change: c.584_585del on transcript NM_207037.2 (MANE Select); coding-DNA positions 584 to 585, 2 bases deleted (AT; older notation c.584_585delAT).
Protein change: p.Tyr195fs; shifts the reading frame from tyrosine 195.
Molecular consequence: frameshift variant. On other transcripts: 5 prime UTR variant (1).
Genome position (GRCh38, 1-based): chr15:57,231,156-57,231,157, AT deleted; deleting any 2 consecutive bases within chr15:57,231,153-57,231,157 gives the same sequence; the c. name uses the placement nearest the transcript's 3' end. VCF-style (leftmost placement, unchanged base first): chr15-57231152-GTA-G. GRCh37 (hg19) VCF-style: chr15-57523350-GTA-G.
Other names: c.584_585del, p.Tyr195fs (NM_001322161.2, NM_001322162.2, NM_001322165.2 and 7 more transcripts); c.620_621del, p.Tyr207fs (NM_001322164.2); c.74_75del, p.Tyr25fs (NM_207040.2, NM_001306219.3); c.16_17del, p.Met6fs (NM_001306220.3); c.-76AT[1] (NM_001322154.2); c.410_411del, p.Tyr137fs (NM_001322156.2, NM_001322158.2); short protein forms Y207fs, Y195fs, Y25fs, M6fs, Y137fs.
Identifiers: ClinVar variation 504094 (VCV000504094.2), dbSNP rs1555402525, ClinGen allele CA658798383.

ClinVar aggregate classification (germline): Likely pathogenic (1 of 4 stars; one submission).

Submission:

GeneDx
Classification: Likely pathogenic. Last evaluated: 2018-01-22. Review status: criteria provided, single submitter. Criteria: GeneDx Variant Classification (06012015). Collection method: clinical testing. Allele origin: germline. Affected: yes.
Comment: The c.584_585delAT variant has not been published as a pathogenic variant, nor has it been reported as a benign variant to our knowledge. The c.584_585delAT variant is not observed in large population cohorts (Lek et al., 2016). The c.584_585delAT variant causes a frameshift starting with codon Tyrosine 195, changes this amino acid to a Cysteine residue, and creates a premature Stop codon at position 8 of the new reading frame, denoted p.Tyr195CysfsX8. This variant is predicted to cause loss of normal protein function either through protein truncation or nonsense-mediated mRNA decay. Therefore, this variant is likely pathogenic; however, the possibility that it is benign cannot be excluded.